The following is an entry in ClinVar:

NM_004329.3(BMPR1A):c.506_507insTCC (p.Ile169_Phe170insPro)

Gene: BMPR1A (bone morphogenetic protein receptor type 1A; plus strand). Cytogenetic location: 10q23.2.
Variant type: Insertion.
Coding change: c.506_507insTCC on transcript NM_004329.3 (MANE Select); coding-DNA positions 506 to 507, TCC inserted.
Protein change: p.Ile169_Phe170insPro.
Molecular consequence: inframe insertion.
Genome position: GRCh38 VCF-style: chr10-86900102-T-TTCC. GRCh37 (hg19) VCF-style: chr10-88659859-T-TTCC.
Identifiers: ClinVar variation 517196 (VCV000517196.19), dbSNP rs763554505, ClinGen allele CA5585534.

ClinVar aggregate classification (germline): Uncertain significance. Review status: criteria provided, multiple submitters, no conflicts (2 of 4 stars). 5 submissions from 5 submitters: Uncertain significance (5). Last evaluated 2025-10-23.

Conditions:
Hereditary cancer-predisposing syndrome. Also called: Hereditary Cancer Syndrome; Tumor predisposition; Hereditary neoplastic syndrome; Neoplastic Syndromes, Hereditary. Identifiers: Orphanet 140162, MedGen C0027672, MeSH D009386, MONDO:0015356.
Juvenile polyposis syndrome (JPS). Identifiers: Orphanet 2929, MedGen C0345893, MONDO:0017380, OMIM 174900.

Allele frequency attached by ClinVar (database versions not stated): ExAC 0.00001; gnomAD exomes 0.00001.

Submissions (5):

Labcorp Genetics (formerly Invitae), Labcorp
Classification: Uncertain significance for Juvenile polyposis syndrome. Last evaluated: 2025-10-23. Review status: criteria provided, single submitter. Criteria: Invitae Variant Classification Sherloc (09022015). Collection method: clinical testing. Allele origin: germline.
Comment: This variant, c.506_507insTCC, results in the insertion of 1 amino acid(s) of the BMPR1A protein (p.Ile169_Phe170insPro), but otherwise preserves the integrity of the reading frame. This variant is present in population databases (rs763554505, gnomAD 0.009%). This variant has been observed in individual(s) with BMPR1A-related conditions (PMID: 35430768). ClinVar contains an entry for this variant (Variation ID: 517196). Experimental studies and prediction algorithms are not available or were not evaluated, and the functional significance of this variant is currently unknown. In summary, the available evidence is currently insufficient to determine the role of this variant in disease. Therefore, it has been classified as a Variant of Uncertain Significance.

Ambry Genetics
Classification: Uncertain significance for Hereditary cancer-predisposing syndrome. Last evaluated: 2025-01-13. Review status: criteria provided, single submitter. Criteria: Ambry Variant Classification Scheme 2023. Collection method: clinical testing. Allele origin: germline.
Comment: The c.506_507insTCC variant (also known as p.I169_F170insP), located in coding exon 5 of the BMPR1A gene, results from an in-frame TCC insertion at nucleotide positions 506 to 507. This results in the insertion of an extra proline residue between codons 169 and 170. This amino acid region is generally well conserved in available vertebrate species. In addition, this alteration is predicted to be neutral by in silico analysis (Choi Y et al. PLoS ONE. 2012; 7(10):e46688). Based on the available evidence, the clinical significance of this variant remains unclear.

All of Us Research Program, National Institutes of Health
Classification: Uncertain significance for Juvenile polyposis syndrome. Last evaluated: 2023-08-25. Review status: criteria provided, single submitter. Criteria: ACMG Guidelines, 2015. Collection method: clinical testing. Allele origin: germline. Inheritance: Autosomal dominant inheritance. Observed: 1 variant allele, 1 heterozygote.
Comment: This study involves interpretation of variants in research participants for the purpose of population health screening. Participant phenotype was not available at the time of variant classification. Additional details can be found in publication PMID: 35346344, PMCID: PMC8962531

Blueprint Genetics
Classification: Uncertain significance. Last evaluated: 2021-08-10. Review status: criteria provided, single submitter. Criteria: ACMG Guidelines, 2015. Collection method: clinical testing. Allele origin: germline.

Laboratory for Molecular Medicine, Mass General Brigham Personalized Medicine
Classification: Uncertain significance. Last evaluated: 2016-12-08. Review status: criteria provided, single submitter. Criteria: LMM Criteria. Collection method: clinical testing. Allele origin: germline. Observed: 1 variant allele.
Comment: The p.Ile169_Phe170insPro variant in BMPR1A has not been previously reported in individuals with juvenile polyposis syndrome. This variant has been identified i n 1/66688 of European chromosomes by the Exome Aggregation Consortium (ExAC; dbSNP rs763554505). This variant is an insertion of 1 amino acid at position 169 and is not predicted to alter the protein reading- frame. The effect of this insertion on the protein is unknown. In summary, the clinical significance of the p.Ile169_Phe170insPro variant is uncertain.

Literature cited by the submitters: PubMed 35430768 (cited by Labcorp Genetics (formerly Invitae), Labcorp).